The following is an entry in ClinVar:

NM_015148.4(PASK):c.741+6T>C

Gene: PASK (PAS domain containing serine/threonine kinase; minus strand). Cytogenetic location: 2q37.3.
Variant type: single nucleotide variant.
Coding change: c.741+6T>C on transcript NM_015148.4 (MANE Select); 6 bases into the intron after coding-DNA position 741, T replaced by C.
Molecular consequence: intron variant.
Genome position (GRCh38, 1-based): chr2:241,138,648, A>G on the plus strand (T>C on the coding strand, the complement: PASK is on the minus strand). VCF-style: chr2-241138648-A-G. GRCh37 (hg19) VCF-style: chr2-242078063-A-G.
Other names: c.741+6T>C (NM_001252120.2, NM_001252122.2, NM_001252119.2 and 1 more transcripts).
Identifiers: ClinVar variation 2637030 (VCV002637030.3), dbSNP rs779114187, ClinGen allele CA2664057020.

ClinVar aggregate classification (germline): Uncertain significance (1 of 4 stars; one submission).

Conditions:
PASK-related disorder. Also called: PASK-related condition.

gnomAD v4.1: 1 of 1,613,902 alleles (0.000062%); highest among the groups gnomAD compares: Non-Finnish European, 0.000085%; no homozygotes.

Submission:

PreventionGenetics, part of Exact Sciences
Classification: Uncertain significance for PASK-related condition. Last evaluated: 2025-11-14. Review status: criteria provided, single submitter. Criteria: ACMG Guidelines, 2015. Collection method: clinical testing. Allele origin: germline.
Comment: The PASK c.741+6T>C variant is predicted to interfere with splicing. This variant is predicted to alter splicing based on available splicing prediction programs (SpliceAI, Jaganathan et al. 2019. PubMed ID: 30661751). However, the use of computer prediction programs is not equivalent to functional evidence. To our knowledge, this variant has not been reported in the literature or in a large population database (gnomAD), indicating this variant is rare. At this time, the clinical significance of this variant is uncertain due to the absence of conclusive functional and genetic evidence.